The following is an entry in ClinVar:

NM_001159773.2(CANT1):c.188G>A (p.Arg63His)

Gene: CANT1 (calcium activated nucleotidase 1; minus strand). Cytogenetic location: 17q25.3.
Variant type: single nucleotide variant.
Coding change: c.188G>A on transcript NM_001159773.2 (MANE Select); coding-DNA position 188, G replaced by A.
Protein change: p.Arg63His; replaces arginine 63 with histidine.
Molecular consequence: missense variant.
Genome position (GRCh38, 1-based): chr17:78,997,435, C>T on the plus strand (G>A on the coding strand, the complement: CANT1 is on the minus strand). VCF-style: chr17-78997435-C-T. GRCh37 (hg19) VCF-style: chr17-76993517-C-T.
Other names: c.188G>A, p.Arg63His (NM_001159772.2, NM_138793.4); c.188G>A (NM_138793.3); short protein forms R63H.
Identifiers: ClinVar variation 1060469 (VCV001060469.8), dbSNP rs531065063, ClinGen allele CA8808798.
Genomic context (GRCh38, chr17:78,997,435, plus strand): 5'-GGCGCCTGGCCGAGCCTCCAGTTGTGTGCATTGTGGGTGGGGGGCCTGCCGGGGGCCGGG[C>T]GGTGGGAGCAGAGCAGCCAGAGGATGGCAGCACCCACAAAGAACGTCAGGATCACCTTCC-3'
Protein context (NP_001153245.1, residues 53-73): AAILWLLCSH[Arg63His]PAPGRPPTHN

ClinVar aggregate classification (germline): Uncertain significance. Review status: criteria provided, multiple submitters, no conflicts (2 of 4 stars). 2 submissions from 2 submitters: Uncertain significance (2). Last evaluated 2025-08-01.

Conditions:
Inborn genetic diseases. Identifiers: MedGen C0950123, MeSH D030342.

Allele frequency attached by ClinVar (database versions not stated): ExAC 0.00005; gnomAD 0.00006; TOPMed 0.00006; 1000 Genomes Project 0.00040.
gnomAD v4.1: 22 of 1,564,482 alleles (0.0014%); highest among the groups gnomAD compares: African/African-American, 0.016%; no homozygotes.

Submissions (2):

Ambry Genetics
Classification: Uncertain significance for Inborn genetic diseases. Last evaluated: 2025-08-01. Review status: criteria provided, single submitter. Criteria: Ambry Variant Classification Scheme 2023. Collection method: clinical testing. Allele origin: germline.

Labcorp Genetics (formerly Invitae), Labcorp
Classification: Uncertain significance. Last evaluated: 2021-08-28. Review status: criteria provided, single submitter. Criteria: Invitae Variant Classification Sherloc (09022015). Collection method: clinical testing. Allele origin: germline.
Comment: This sequence change replaces arginine with histidine at codon 63 of the CANT1 protein (p.Arg63His). The arginine residue is moderately conserved and there is a small physicochemical difference between arginine and histidine. This variant is present in population databases (rs531065063, ExAC 0.06%). This variant has not been reported in the literature in individuals affected with CANT1-related conditions. Algorithms developed to predict the effect of missense changes on protein structure and function output the following: SIFT: "Tolerated"; PolyPhen-2: "Benign"; Align-GVGD: "Class C0". The histidine amino acid residue is found in multiple mammalian species, which suggests that this missense change does not adversely affect protein function. In summary, the available evidence is currently insufficient to determine the role of this variant in disease. Therefore, it has been classified as a Variant of Uncertain Significance.